The following is an entry in ClinVar:

ClinVar aggregate classification (germline): Uncertain significance (1 of 4 stars; one submission).

Submission:

GeneDx
Classification: Uncertain significance. Last evaluated: 2023-11-16. Review status: criteria provided, single submitter. Criteria: GeneDx Variant Classification Process June 2021. Collection method: clinical testing. Allele origin: germline. Affected: yes.
Comment: Not observed at significant frequency in large population cohorts (gnomAD); In silico analysis supports that this missense variant has a deleterious effect on protein structure/function; Has not been previously published as pathogenic or benign to our knowledge

NM_000293.3(PHKB):c.602T>G (p.Phe201Cys)

Gene: PHKB (phosphorylase kinase regulatory subunit beta; plus strand). Cytogenetic location: 16q12.1.
Variant type: single nucleotide variant.
Coding change: c.602T>G on transcript NM_000293.3 (MANE Select); coding-DNA position 602, T replaced by G.
Protein change: p.Phe201Cys; replaces phenylalanine 201 with cysteine.
Molecular consequence: missense variant.
Genome position (GRCh38, 1-based): chr16:47,547,440, T>G. VCF-style: chr16-47547440-T-G. GRCh37 (hg19) VCF-style: chr16-47581351-T-G.
Other names: c.581T>G, p.Phe194Cys (NM_001031835.3); c.602T>G, p.Phe201Cys (NM_001363837.1); short protein forms F194C, F201C.
Identifiers: ClinVar variation 3364275 (VCV003364275.1).